The following is an entry in ClinVar:

NM_013296.5(GPSM2):c.279-32GTTTTTT[3]

Gene: GPSM2 (G protein signaling modulator 2; plus strand). Cytogenetic location: 1p13.3.
Variant type: Microsatellite.
Coding change: c.279-32GTTTTTT[3] on transcript NM_013296.5 (MANE Select); three copies in a row of the 7-base unit GTTTTTT starting at c.279-32; the reference has four copies in a row; one copy, 7 bases deleted.
Molecular consequence: intron variant.
Genome position (GRCh38, 1-based): chr1:108,897,481-108,897,487, GTTTTTT deleted; deleting any 7 consecutive bases within chr1:108,897,460-108,897,487 gives the same sequence; the position shown is the placement nearest the transcript's 3' end. VCF-style (leftmost placement, unchanged base first): chr1-108897459-GGTTTTTT-G. GRCh37 (hg19) VCF-style: chr1-109440081-GGTTTTTT-G.
Other names: c.279-32GTTTTTT[3] (NM_001321038.2, NM_001321039.3).
Identifiers: ClinVar variation 3350902 (VCV003350902.1).

ClinVar aggregate classification (germline): Likely benign (0 of 4 stars; one submission).

Conditions:
GPSM2-related disorder. Also called: GPSM2-related condition; GPSM2-related disorders.

Submission:

PreventionGenetics, part of Exact Sciences
Classification: Likely benign for GPSM2-related condition. Last evaluated: 2024-09-23. Review status: no assertion criteria provided. Collection method: clinical testing. Allele origin: germline.
Comment: This variant is classified as likely benign based on ACMG/AMP sequence variant interpretation guidelines (Richards et al. 2015 PMID: 25741868, with internal and published modifications).